The following is an entry in ClinVar:

ClinVar aggregate classification (germline): Conflicting classifications of pathogenicity. Review status: criteria provided, conflicting classifications (1 of 4 stars). 5 submissions from 5 submitters: Likely pathogenic (4); Uncertain significance (1). Last evaluated 2026-03-22.

Conditions:
Cohen syndrome (COH1). Also called: PEPPER SYNDROME; Cutis verticis gyrata, retinitis pigmentosa, and sensorineural deafness. Identifiers: Orphanet 193, MedGen C0265223, MONDO:0008999, OMIM 216550.
Inborn genetic diseases. Identifiers: MedGen C0950123, MeSH D030342.
VPS13B-related disorder. Also called: VPS13B-related condition.

gnomAD v4.1: 2 of 1,613,656 alleles (0.00012%); highest among the groups gnomAD compares: Admixed American, 0.0017%; no homozygotes.

Submissions (5):

Ambry Genetics
Classification: Uncertain significance for Inborn genetic diseases. Last evaluated: 2026-03-22. Review status: criteria provided, single submitter. Criteria: Ambry Variant Classification Scheme 2023. Collection method: clinical testing. Allele origin: germline.
Comment: The c.3870+1G>A intronic variant consists of a G to A substitution one nucleotide after exon 25 (coding exon 24) of the VPS13B gene. Variants that disrupt the canonical splice site are expected to result in aberrant splicing. The resulting transcript is predicted to be in-frame and is not expected to trigger nonsense-mediated mRNA decay, although direct evidence is unavailable. Based on data from gnomAD, this allele has an overall frequency of <0.001% (1/250702) total alleles studied. The highest observed frequency was 0.003% (1/34500) of Latino alleles. Other variant(s) impacting the same donor site (c.3870+1G>T) have been identified in individual(s) with features consistent with Cohen syndrome (Chechetkina, 2022; Shnaider, 2023). Based on insufficient or conflicting evidence, the clinical significance of this alteration remains unclear.

PreventionGenetics, part of Exact Sciences
Classification: Likely pathogenic for VPS13B-related condition. Last evaluated: 2025-03-26. Review status: criteria provided, single submitter. Criteria: ACMG Guidelines, 2015. Collection method: clinical testing. Allele origin: germline.
Comment: The VPS13B c.3870+1G>A variant is predicted to disrupt the GT donor site and interfere with normal splicing. To our knowledge, this variant has not been reported in the literature. This variant is reported in 0.0029% of alleles in individuals of Latino descent in gnomAD. Variants that disrupt the consensus splice donor site in VPS13B are expected to be pathogenic. This variant is interpreted as likely pathogenic.

Natera, Inc.
Classification: Likely pathogenic for Cohen syndrome. Last evaluated: 2024-10-08. Review status: criteria provided, single submitter. Criteria: Natera Variant Classification Schema (03/2026). Collection method: clinical testing. Allele origin: germline.
Comment: The c.3870+1G>A variant in VPS13B is a canonical splice donor site variant predicted to affect pre-mRNA splicing, which may result in an abnormal transcript and altered protein product. This variant may result in a truncated or dysfunctional protein product. This variant is rare in the general population with a frequency below the threshold expected for the associated phenotype(s). Another variant at this same site results in an alteration predicted to cause a similar molecular effect has been observed in individual(s) with the associated phenotype. Given the available evidence, this variant is classified as Likely Pathogenic.

Labcorp Genetics (formerly Invitae), Labcorp
Classification: Likely pathogenic for Cohen syndrome. Last evaluated: 2022-09-09. Review status: criteria provided, single submitter. Criteria: Invitae Variant Classification Sherloc (09022015). Collection method: clinical testing. Allele origin: germline.
Comment: This sequence change affects a donor splice site in intron 25 of the VPS13B gene. It is expected to disrupt RNA splicing. Variants that disrupt the donor or acceptor splice site typically lead to a loss of protein function (PMID: 16199547), and loss-of-function variants in VPS13B are known to be pathogenic (PMID: 15141358, 16648375, 20461111). This variant is present in population databases (rs764225649, gnomAD 0.003%). This variant has not been reported in the literature in individuals affected with VPS13B-related conditions. ClinVar contains an entry for this variant (Variation ID: 1348730). Algorithms developed to predict the effect of sequence changes on RNA splicing suggest that this variant may disrupt the consensus splice site. In summary, the currently available evidence indicates that the variant is pathogenic, but additional data are needed to prove that conclusively. Therefore, this variant has been classified as Likely Pathogenic.

Blueprint Genetics
Classification: Likely pathogenic for VPS13B-related disorders. Last evaluated: 2020-12-03. Review status: criteria provided, single submitter. Criteria: ACMG Guidelines, 2015. Collection method: clinical testing. Allele origin: germline. Affected: yes. Observed: 1 variant allele.

Literature cited by the submitters: PubMed 35026660 (cited by Ambry Genetics); PubMed 38067130 (cited by Ambry Genetics); PubMed 16199547 (cited by Labcorp Genetics (formerly Invitae), Labcorp); PubMed 15141358 (cited by Labcorp Genetics (formerly Invitae), Labcorp); PubMed 16648375 (cited by Labcorp Genetics (formerly Invitae), Labcorp); PubMed 20461111 (cited by Labcorp Genetics (formerly Invitae), Labcorp).

NM_152564.5(VPS13B):c.3870+1G>A

Gene: VPS13B (vacuolar protein sorting 13 homolog B; plus strand). Cytogenetic location: 8q22.2.
Variant type: single nucleotide variant.
Coding change: c.3870+1G>A on transcript NM_152564.5 (MANE Select); the canonical splice donor site of the intron after coding-DNA position 3870, G replaced by A.
Molecular consequence: splice donor variant.
Genome position (GRCh38, 1-based): chr8:99,481,803, G>A. VCF-style: chr8-99481803-G-A. GRCh37 (hg19) VCF-style: chr8-100494031-G-A.
Other names: c.3870+1G>A (NM_017890.3, NM_017890.4, NM_017890.5).
Identifiers: ClinVar variation 1348730 (VCV001348730.10), dbSNP rs764225649, ClinGen allele CA4823352.